The following is an entry in ClinVar:

NM_001204.7(BMPR2):c.476C>G (p.Ser159Cys)

Gene: BMPR2 (bone morphogenetic protein receptor type 2; plus strand). Cytogenetic location: 2q33.2.
Variant type: single nucleotide variant.
Coding change: c.476C>G on transcript NM_001204.7 (MANE Select); coding-DNA position 476, C replaced by G.
Protein change: p.Ser159Cys; replaces serine 159 with cysteine.
Molecular consequence: missense variant.
Genome position (GRCh38, 1-based): chr2:202,513,776, C>G. VCF-style: chr2-202513776-C-G. GRCh37 (hg19) VCF-style: chr2-203378499-C-G.
Other names: short protein forms S159C.
Identifiers: ClinVar variation 4597967 (VCV004597967.1).
Genomic context (GRCh38, chr2:202,513,776, plus strand): 5'-TAGGTCCACCTCATTCATTTAACCGAGATGAGACAATAATCATTGCTTTGGCATCAGTCT[C>G]TGTATTAGCTGTTTTGATAGTTGCCTTATGCTTTGGATACAGAATGTTGACAGGTAAAAA-3'
Protein context (NP_001195.2, residues 149-169): ETIIIALASV[Ser159Cys]VLAVLIVALC

ClinVar aggregate classification (germline): Uncertain significance (1 of 4 stars; one submission).

Conditions:
Inborn genetic diseases. Identifiers: MedGen C0950123, MeSH D030342.

gnomAD v4.1: 1 of 1,613,196 alleles (0.000062%); highest among the groups gnomAD compares: African/African-American, 0.0013%; no homozygotes.

Submission:

Ambry Genetics
Classification: Uncertain significance for Inborn genetic diseases. Last evaluated: 2025-11-28. Review status: criteria provided, single submitter. Criteria: Ambry Variant Classification Scheme 2023. Collection method: clinical testing. Allele origin: germline.
Comment: The p.S159C variant (also known as c.476C>G), located in coding exon 4 of the BMPR2 gene, results from a C to G substitution at nucleotide position 476. The serine at codon 159 is replaced by cysteine, an amino acid with dissimilar properties. This amino acid position is conserved. In addition, this alteration is predicted to be deleterious by in silico analysis. Based on the available evidence, the clinical significance of this variant remains unclear.